The following is an entry in ClinVar:

NM_001371533.1(FUT8):c.1712C>A (p.Pro571His)

Gene: FUT8 (fucosyltransferase 8; plus strand). Cytogenetic location: 14q23.3.
Variant type: single nucleotide variant.
Coding change: c.1712C>A on transcript NM_001371533.1 (MANE Select); coding-DNA position 1712, C replaced by A.
Protein change: p.Pro571His; replaces proline 571 with histidine.
Molecular consequence: missense variant. On other transcripts: non-coding transcript variant (1).
Genome position (GRCh38, 1-based): chr14:65,742,394, C>A. VCF-style: chr14-65742394-C-A. GRCh37 (hg19) VCF-style: chr14-66209112-C-A.
Other names: c.1712C>A, p.Pro571His (NM_001371534.1, NM_178155.3, NM_178156.2); c.1814C>A, p.Pro605His (NM_001371536.1); c.1223C>A, p.Pro408His (NM_004480.4); short protein forms P408H, P571H, P605H.
Identifiers: ClinVar variation 1365518 (VCV001365518.8), dbSNP rs2139414777, ClinGen allele CA390252814.

ClinVar aggregate classification (germline): Uncertain significance (1 of 4 stars; one submission).

Submission:

Labcorp Genetics (formerly Invitae), Labcorp
Classification: Uncertain significance. Last evaluated: 2022-06-20. Review status: criteria provided, single submitter. Criteria: Invitae Variant Classification Sherloc (09022015). Collection method: clinical testing. Allele origin: germline.
Comment: This sequence change replaces proline, which is neutral and non-polar, with histidine, which is basic and polar, at codon 571 of the FUT8 protein (p.Pro571His). This variant is not present in population databases (gnomAD no frequency). This variant has not been reported in the literature in individuals affected with FUT8-related conditions. Algorithms developed to predict the effect of missense changes on protein structure and function (SIFT, PolyPhen-2, Align-GVGD) all suggest that this variant is likely to be tolerated. In summary, the available evidence is currently insufficient to determine the role of this variant in disease. Therefore, it has been classified as a Variant of Uncertain Significance.